The following is an entry in ClinVar:

NM_007294.4(BRCA1):c.4675+8T>A

Gene: BRCA1 (BRCA1 DNA repair associated; minus strand). Cytogenetic location: 17q21.31.
Variant type: single nucleotide variant.
Coding change: c.4675+8T>A on transcript NM_007294.4 (MANE Select); 8 bases into the intron after coding-DNA position 4675, T replaced by A.
Molecular consequence: intron variant.
Genome position (GRCh38, 1-based): chr17:43,074,323, A>T on the plus strand (T>A on the coding strand, the complement: BRCA1 is on the minus strand). VCF-style: chr17-43074323-A-T. GRCh37 (hg19) VCF-style: chr17-41226340-A-T.
Other names: c.4738+8T>A (NM_001407585.1, NM_007300.4, NM_001407583.1 and 1 more transcripts); c.4405+8T>A (NM_001407936.1, NM_001407934.1, NM_001407935.1); c.4528+8T>A (NM_001407849.1, NM_001407845.1, NM_001407852.1 and 12 more transcripts); c.4531+8T>A (NM_001407744.1, NM_001407750.1, NM_001407732.1 and 21 more transcripts); c.1102+8T>A (NM_001408496.1, NM_001408498.1, NM_001408499.1 and 3 more transcripts); c.4408+8T>A (NM_001407929.1, NM_001407930.1, NM_001407931.1 and 4 more transcripts); c.4411+8T>A (NM_001407924.1, NM_001407920.1, NM_001407922.1 and 4 more transcripts); c.1222+8T>A (NM_001408460.1, NM_001408465.1, NM_001408463.1 and 7 more transcripts); and 71 more.
Identifiers: ClinVar variation 4539183 (VCV004539183.1).

ClinVar aggregate classification (germline): Likely benign (1 of 4 stars; one submission).

Submission:

Center for Genomic Medicine, Rigshospitalet, Copenhagen University Hospital
Classification: Likely benign. Last evaluated: 2025-12-29. Review status: criteria provided, single submitter. Criteria: ACMG Guidelines, 2015. Collection method: clinical testing. Allele origin: germline.
Comment: Classification criteria: BP4, BP7